The following is an entry in ClinVar:

NM_005866.4(SIGMAR1):c.47_70dup (p.Thr23_Gln24insLeuAlaValAlaAlaValLeuThr)

Genes: SIGMAR1 (sigma non-opioid intracellular receptor 1; minus strand), LOC130001681 (ATAC-STARR-seq lymphoblastoid silent region 19853; plus strand). Cytogenetic location: 9p13.3.
Variant type: Duplication.
Coding change: c.47_70dup on transcript NM_005866.4 (MANE Select); coding-DNA positions 47 to 70, 24 bases duplicated (TGGCTGTCGCAGCGGTGCTGACCC).
Protein change: p.Thr23_Gln24insLeuAlaValAlaAlaValLeuThr.
Molecular consequence: inframe insertion. On other transcripts: 5 prime UTR variant (1), non-coding transcript variant (1).
Genome position (GRCh38, 1-based): chr9:34,637,628-34,637,651, GGGTCAGCACCGCTGCGACAGCCA duplicated on the plus strand (TGGCTGTCGCAGCGGTGCTGACCC on the coding strand, the reverse complement: SIGMAR1 is on the minus strand); duplicating any 24 consecutive bases within chr9:34,637,628-34,637,653 gives the same sequence; the c. name uses the placement nearest the transcript's 3' end. VCF-style (leftmost placement, unchanged base first): chr9-34637627-T-TGGGTCAGCACCGCTGCGACAGCCA. GRCh37 (hg19) VCF-style: chr9-34637624-T-TGGGTCAGCACCGCTGCGACAGCCA.
Other names: c.47_70dup, p.Thr23_Gln24insLeuAlaValAlaAlaValLeuThr (NM_001282205.2, NM_001282207.2, NM_001282208.2 and 2 more transcripts); c.-207_-184dup (NM_001282206.2).
Identifiers: ClinVar variation 2529485 (VCV002529485.2), dbSNP rs2492829918, ClinGen allele CA2580616172.

ClinVar aggregate classification (germline): Uncertain significance (1 of 4 stars; one submission).

Conditions:
Inborn genetic diseases. Identifiers: MedGen C0950123, MeSH D030342.

Submission:

Ambry Genetics
Classification: Uncertain significance for Inborn genetic diseases. Last evaluated: 2023-04-11. Review status: criteria provided, single submitter. Criteria: Ambry Variant Classification Scheme 2023. Collection method: clinical testing. Allele origin: germline.
Comment: The c.47_70dupTGGCTGTCGCAGCGGTGCTGACCC (p.L16_T23dup) alteration is located in exon 1 (coding exon 1) of the SIGMAR1 gene. The alteration consists of an in-frame duplication of 24 nucleotides from position 47 to 70, resulting in the duplication of <NA> residues. Based on insufficient or conflicting evidence, the clinical significance of this alteration remains unclear.